The following is an entry in ClinVar:

ClinVar aggregate classification (germline): Uncertain significance (1 of 4 stars; one submission).

Submission:

Labcorp Genetics (formerly Invitae), Labcorp
Classification: Uncertain significance. Last evaluated: 2022-10-13. Review status: criteria provided, single submitter. Criteria: Invitae Variant Classification Sherloc (09022015). Collection method: clinical testing. Allele origin: germline.
Comment: This sequence change replaces proline, which is neutral and non-polar, with leucine, which is neutral and non-polar, at codon 1353 of the CNTNAP1 protein (p.Pro1353Leu). This variant is not present in population databases (gnomAD no frequency). This variant has not been reported in the literature in individuals affected with CNTNAP1-related conditions. Algorithms developed to predict the effect of missense changes on protein structure and function are either unavailable or do not agree on the potential impact of this missense change (SIFT: "Deleterious"; PolyPhen-2: "Benign"; Align-GVGD: "Class C0"). In summary, the available evidence is currently insufficient to determine the role of this variant in disease. Therefore, it has been classified as a Variant of Uncertain Significance.

NM_003632.3(CNTNAP1):c.4058C>T (p.Pro1353Leu)

Genes: CNTNAP1 (contactin associated protein 1; plus strand), LOC128669077 (EZH1 +46 kb erythroid enhancer; plus strand). Cytogenetic location: 17q21.2.
Variant type: single nucleotide variant.
Coding change: c.4058C>T on transcript NM_003632.3 (MANE Select); coding-DNA position 4058, C replaced by T.
Protein change: p.Pro1353Leu; replaces proline 1353 with leucine.
Molecular consequence: missense variant.
Genome position (GRCh38, 1-based): chr17:42,698,813, C>T. VCF-style: chr17-42698813-C-T. GRCh37 (hg19) VCF-style: chr17-40850831-C-T.
Other names: short protein forms P1353L.
Identifiers: ClinVar variation 2135704 (VCV002135704.4), dbSNP rs2543807834, ClinGen allele CA399631692.